The following is an entry in ClinVar:

ClinVar aggregate classification (germline): Benign/Likely benign. Review status: criteria provided, multiple submitters, no conflicts (2 of 4 stars). 8 submissions from 8 submitters: Benign (6); Likely benign (2). Last evaluated 2026-02-03.

Conditions:
Hereditary spastic paraplegia 39 (SPG39). Also called: Spastic Paraplegia Type 39 (SPG39); SPASTIC PARAPLEGIA 39, AUTOSOMAL RECESSIVE. Identifiers: Orphanet 139480, MedGen C2677586, MONDO:0012787, OMIM 612020.
Hereditary spastic paraplegia. Also called: Familial spastic paraparesis. Identifiers: Orphanet 685, MedGen C0037773, MONDO:0019064. Disease mechanism: loss of function.

Allele frequency attached by ClinVar (database versions not stated): gnomAD exomes 0.00106 and 0.00297; ExAC 0.00496; gnomAD 0.01080 and 0.01159; TOPMed 0.01263; 1000 Genomes Project 30x 0.01359; 1000 Genomes Project 0.01418; ESP Exome Variant Server 0.01519.
gnomAD v4.1: 3,223 of 1,590,092 alleles (0.2%); highest among the groups gnomAD compares: African/African-American, 3.8%; 60 homozygotes.

Submissions (12):

Labcorp Genetics (formerly Invitae), Labcorp
Classification: Benign for Hereditary spastic paraplegia 39. Last evaluated: 2026-02-03. Review status: criteria provided, single submitter. Criteria: Invitae Variant Classification Sherloc (09022015). Collection method: clinical testing. Allele origin: germline.

Mayo Clinic Laboratories, Mayo Clinic
Classification: Benign. Last evaluated: 2024-02-20. Review status: criteria provided, single submitter. Criteria: ACMG Guidelines, 2015. Collection method: clinical testing. Allele origin: germline. Observed: 7 variant alleles.
Comment: BS1, BS2, BP4, BP7

Genome Diagnostics Laboratory, The Hospital for Sick Children
Classification: Likely benign for Hereditary spastic paraplegia. Last evaluated: 2021-05-14. Review status: criteria provided, single submitter. Criteria: ACMG Guidelines, 2015. Collection method: clinical testing. Allele origin: germline. Affected: yes.

Illumina Laboratory Services, Illumina
Classification: Benign for Hereditary spastic paraplegia 39. Last evaluated: 2018-01-13. Review status: criteria provided, single submitter. Criteria: ICSL Variant Classification Criteria 13 December 2019. Collection method: clinical testing. Allele origin: germline.
Comment: This variant was observed in the ICSL laboratory as part of a predisposition screen in an ostensibly healthy population. It had not been previously curated by ICSL or reported in the Human Gene Mutation Database (HGMD: prior to June 1st, 2018), and was therefore a candidate for classification through an automated scoring system. Utilizing variant allele frequency, disease prevalence and penetrance estimates, and inheritance mode, an automated score was calculated to assess if this variant is too frequent to cause the disease. Based on the score and internal cut-off values, a variant classified as benign is not then subjected to further curation. The score for this variant resulted in a classification of benign for this disease.

GeneDx
Classification: Benign. Last evaluated: 2018-01-02. Review status: criteria provided, single submitter. Criteria: GeneDx Variant Classification (06012015). Collection method: clinical testing. Allele origin: germline. Affected: yes.
Comment: This variant is considered likely benign or benign based on one or more of the following criteria: it is a conservative change, it occurs at a poorly conserved position in the protein, it is predicted to be benign by multiple in silico algorithms, and/or has population frequency not consistent with disease.

Athena Diagnostics
Classification: Benign. Last evaluated: 2017-11-21. Review status: criteria provided, single submitter. Criteria: Athena Diagnostics Criteria. Collection method: clinical testing. Allele origin: germline.

Eurofins Ntd Llc (ga)
Classification: Benign. Last evaluated: 2015-11-18. Review status: criteria provided, single submitter. Criteria: EGL Classification Definitions 2015. Collection method: clinical testing. Allele origin: germline. Observed: 1 variant allele, 1 heterozygote.

Breakthrough Genomics
Classification: Likely benign. Review status: criteria provided, single submitter. Criteria: ACMG Guidelines, 2015. Collection method: not provided. Allele origin: germline. Inheritance: Autosomal recessive inheritance. Affected: yes.

Dr. Peter K. Rogan Lab, Western University
No classification provided (evidence only). Condition: Acute myeloid leukemia. Review status: no classification provided. Collection method: in vitro. Allele origin: not applicable. Functional consequence: retained intron. Not counted in ClinVar's aggregate classification.

Dr. Peter K. Rogan Lab, Western University
No classification provided (evidence only). Condition: Uterine corpus endometrial carcinoma. Review status: no classification provided. Collection method: in vitro. Allele origin: not applicable. Functional consequence: retained intron. Not counted in ClinVar's aggregate classification.

Dr. Peter K. Rogan Lab, Western University
No classification provided (evidence only). Condition: Uterine corpus endometrial carcinoma. Review status: no classification provided. Collection method: in vitro. Allele origin: not applicable. Functional consequence: retained intron. Not counted in ClinVar's aggregate classification.

Dr. Peter K. Rogan Lab, Western University
No classification provided (evidence only). Condition: Cervical cancer. Review status: no classification provided. Collection method: in vitro. Allele origin: not applicable. Functional consequence: retained intron. Not counted in ClinVar's aggregate classification.

NM_001166114.2(PNPLA6):c.2706C>T (p.Gly902=)

Gene: PNPLA6 (patatin like domain 6, lysophospholipase; plus strand). Cytogenetic location: 19p13.2.
Variant type: single nucleotide variant.
Coding change: c.2706C>T on transcript NM_001166114.2 (MANE Select); coding-DNA position 2706, C replaced by T.
Protein change: p.Gly902=; no amino-acid change (glycine 902 retained).
Molecular consequence: synonymous variant.
Genome position (GRCh38, 1-based): chr19:7,554,964, C>T. VCF-style: chr19-7554964-C-T. GRCh37 (hg19) VCF-style: chr19-7619850-C-T.
Other names: p.Gly864=; c.2736C>T, p.Gly912= (NM_001166111.2); c.2511C>T, p.Gly837= (NM_001166112.2); c.2592C>T, p.Gly864= (NM_001166113.1, NM_006702.5).
Identifiers: ClinVar variation 284223 (VCV000284223.26), dbSNP rs113264142, ClinGen allele CA9140206.